The following is an entry in ClinVar:

NM_000368.5(TSC1):c.3478C>T (p.His1160Tyr)

Gene: TSC1 (TSC complex subunit 1; minus strand). Cytogenetic location: 9q34.13.
Variant type: single nucleotide variant.
Coding change: c.3478C>T on transcript NM_000368.5 (MANE Select); coding-DNA position 3478, C replaced by T.
Protein change: p.His1160Tyr; replaces histidine 1160 with tyrosine.
Molecular consequence: missense variant.
Genome position (GRCh38, 1-based): chr9:132,896,252, G>A on the plus strand (C>T on the coding strand, the complement: TSC1 is on the minus strand). VCF-style: chr9-132896252-G-A. GRCh37 (hg19) VCF-style: chr9-135771639-G-A.
Other names: c.3475C>T, p.His1159Tyr (NM_001162426.2); c.3325C>T, p.His1109Tyr (NM_001162427.2); c.3115C>T, p.His1039Tyr (NM_001362177.2); short protein forms H1159Y, H1039Y, H1160Y, H1109Y.
Identifiers: ClinVar variation 1495237 (VCV001495237.12), dbSNP rs1470270925, ClinGen allele CA375366283.

ClinVar aggregate classification (germline): Uncertain significance. Review status: criteria provided, multiple submitters, no conflicts (2 of 4 stars). 3 submissions from 3 submitters: Uncertain significance (3). Last evaluated 2025-10-17.

Conditions:
Isolated focal cortical dysplasia type II (FCORD2). Also called: Focal cortical dysplasia type II; CORTICAL DYSPLASIA OF TAYLOR. Identifiers: Orphanet 268994, MedGen C1846385, MONDO:0011818, OMIM 607341, HP:0032051.
Hereditary cancer-predisposing syndrome. Also called: Tumor predisposition; Hereditary neoplastic syndrome; Neoplastic Syndromes, Hereditary; Hereditary Cancer Syndrome. Identifiers: Orphanet 140162, MedGen C0027672, MeSH D009386, MONDO:0015356.
Tuberous sclerosis 1 (TSC1). Identifiers: Orphanet 805, MedGen C1854465, MONDO:0008612, OMIM 191100.

Allele frequency attached by ClinVar (database versions not stated): TOPMed below 0.00001; gnomAD 0.00001.
gnomAD v4.1: 3 of 1,614,094 alleles (0.00019%); highest among the groups gnomAD compares: African/African-American, 0.0013%; no homozygotes.

Submissions (3):

Ambry Genetics
Classification: Uncertain significance for Hereditary cancer-predisposing syndrome. Last evaluated: 2025-10-17. Review status: criteria provided, single submitter. Criteria: Ambry Variant Classification Scheme 2023. Collection method: clinical testing. Allele origin: germline.
Comment: The p.H1160Y variant (also known as c.3478C>T), located in coding exon 21 of the TSC1 gene, results from a C to T substitution at nucleotide position 3478. The histidine at codon 1160 is replaced by tyrosine, an amino acid with similar properties. This amino acid position is conserved. In addition, the in silico prediction for this alteration is inconclusive. Since supporting evidence is limited at this time, the clinical significance of this alteration remains unclear.

Labcorp Genetics (formerly Invitae), Labcorp
Classification: Uncertain significance for Tuberous sclerosis 1. Last evaluated: 2025-07-03. Review status: criteria provided, single submitter. Criteria: Invitae Variant Classification Sherloc (09022015). Collection method: clinical testing. Allele origin: germline.
Comment: This sequence change replaces histidine, which is basic and polar, with tyrosine, which is neutral and polar, at codon 1160 of the TSC1 protein (p.His1160Tyr). This variant is not present in population databases (gnomAD no frequency). This variant has not been reported in the literature in individuals affected with TSC1-related conditions. ClinVar contains an entry for this variant (Variation ID: 1495237). Invitae Evidence Modeling of protein sequence and biophysical properties (such as structural, functional, and spatial information, amino acid conservation, physicochemical variation, residue mobility, and thermodynamic stability) indicates that this missense variant is not expected to disrupt TSC1 protein function with a negative predictive value of 95%. In summary, the available evidence is currently insufficient to determine the role of this variant in disease. Therefore, it has been classified as a Variant of Uncertain Significance.

Baylor Genetics
Classification: Uncertain significance for Isolated focal cortical dysplasia type II. Last evaluated: 2023-10-26. Review status: criteria provided, single submitter. Criteria: ACMG Guidelines, 2015. Collection method: clinical testing. Allele origin: unknown.